The following is an entry in ClinVar:

ClinVar aggregate classification (germline): Pathogenic/Likely pathogenic. Review status: criteria provided, multiple submitters, no conflicts (2 of 4 stars). 3 submissions from 3 submitters: Pathogenic (1); Likely pathogenic (1). 1 of the submissions does not count toward it. Last evaluated 2025-02-05.

Conditions:
Retinal dystrophy. Also called: Inherited retinal dystrophy. Identifiers: Orphanet 71862, MedGen C0854723, MeSH D058499, MONDO:0019118, HP:0000556.
Retinitis pigmentosa 1 (RP1). Identifiers: Orphanet 791, MedGen C0220701, MONDO:0008377, OMIM 180100.

Submissions (3):

SingHealth Duke-NUS Institute of Precision Medicine
Classification: Likely pathogenic for Retinitis pigmentosa 1. Last evaluated: 2025-02-05. Review status: criteria provided, single submitter. Criteria: PRISM ACMG Classification Criteria. Collection method: clinical testing. Allele origin: germline. Affected: yes.
Comment: Variant is expected to truncate >70% of RP1 and causes LOF; LOF is a known disease mechanism for the protein (PVS1). Variant is not found in gnomAD exomes or genomes (PM2)

Labcorp Genetics (formerly Invitae), Labcorp
Classification: Pathogenic. Last evaluated: 2024-10-25. Review status: criteria provided, single submitter. Criteria: Invitae Variant Classification Sherloc (09022015). Collection method: clinical testing. Allele origin: germline.
Comment: This sequence change creates a premature translational stop signal (p.Glu488Lysfs*44) in the RP1 gene. While this is not anticipated to result in nonsense mediated decay, it is expected to disrupt the last 1669 amino acid(s) of the RP1 protein. This variant is not present in population databases (gnomAD no frequency). This premature translational stop signal has been observed in individuals with retinitis pigmentosa (PMID: 27208204, 32565670, 32783370). ClinVar contains an entry for this variant (Variation ID: 236415). This variant disrupts the C-terminus of the RP1 protein. Many variants that disrupt this region have been reported in individuals with either autosomal dominant or autosomal recessive retinitis pigmentosa (PMID: 11527933, 19933189, 29425069, 30027431, 33681214). Therefore, variants that disrupt this region are expected to be disease-causing. For these reasons, this variant has been classified as Pathogenic.

Centre for Genomic Medicine, Manchester, Central Manchester University Hospitals
Classification: Likely pathogenic for Retinal dystrophy. Review status: no assertion criteria provided. Collection method: clinical testing. Allele origin: germline. Affected: yes. Not counted in ClinVar's aggregate classification.

Literature cited by the submitters: PubMed 27208204 (cited by Labcorp Genetics (formerly Invitae), Labcorp); PubMed 32565670 (cited by Labcorp Genetics (formerly Invitae), Labcorp); PubMed 32783370 (cited by Labcorp Genetics (formerly Invitae), Labcorp); PubMed 11527933 (cited by Labcorp Genetics (formerly Invitae), Labcorp); PubMed 19933189 (cited by Labcorp Genetics (formerly Invitae), Labcorp); PubMed 29425069 (cited by Labcorp Genetics (formerly Invitae), Labcorp); PubMed 30027431 (cited by Labcorp Genetics (formerly Invitae), Labcorp); PubMed 33681214 (cited by Labcorp Genetics (formerly Invitae), Labcorp).

NM_006269.2(RP1):c.1462del (p.Glu488fs)

Gene: RP1 (RP1 axonemal microtubule associated; plus strand). Cytogenetic location: 8q12.1.
Variant type: Deletion.
Coding change: c.1462del on transcript NM_006269.2 (MANE Select); coding-DNA position 1462, one base deleted (G; older notation c.1462delG).
Protein change: p.Glu488fs; shifts the reading frame from glutamic acid 488.
Molecular consequence: frameshift variant.
Genome position (GRCh38, 1-based): chr8:54,625,344, G deleted. VCF-style (leftmost placement, unchanged base first): chr8-54625343-AG-A. GRCh37 (hg19) VCF-style: chr8-55537903-AG-A.
Other names: short protein forms E488fs.
Identifiers: ClinVar variation 236415 (VCV000236415.10), dbSNP rs878853327, ClinGen allele CA10581672.